The following is an entry in ClinVar:

NM_033343.4(LHX4):c.1071_1073del (p.Gly358del)

Genes: ACBD6 (acyl-CoA binding domain containing 6; minus strand), LHX4 (LIM homeobox 4; plus strand), LHX4-AS1 (LHX4 antisense RNA 1; minus strand). Cytogenetic location: 1q25.2.
Variant type: Deletion.
Coding change: c.1071_1073del on transcript NM_033343.4 (MANE Select); coding-DNA positions 1071 to 1073, 3 bases deleted (GGG; older notation c.1071_1073delGGG).
Protein change: p.Gly358del; deletes glycine 358.
Molecular consequence: inframe deletion.
Genome position (GRCh38, 1-based): chr1:180,274,477-180,274,479, GGG deleted; deleting any 3 consecutive bases within chr1:180,274,475-180,274,479 gives the same sequence; the c. name uses the placement nearest the transcript's 3' end. VCF-style (leftmost placement, unchanged base first): chr1-180274474-TGGG-T. GRCh37 (hg19) VCF-style: chr1-180243609-TGGG-T.
Other names: short protein forms G358del.
Identifiers: ClinVar variation 1312893 (VCV001312893.2), dbSNP rs1648904720, ClinGen allele CA2573051434.
Genomic context (GRCh38, chr1:180,274,474, plus strand): 5'-TAATTTGGGCATCATTGCGCATGCAGGGCAGGGAGTAAGCCAGACGCTGAGAGCCATGGC[TGGG>T]GGACCCACCTCTGACATCTCCACAGGAAGCAGTGTAGGCTATCCCGACTTTCCAACTAGC-3'

ClinVar aggregate classification (germline): Uncertain significance (1 of 4 stars; one submission).

Submission:

GeneDx
Classification: Uncertain significance. Last evaluated: 2020-06-29. Review status: criteria provided, single submitter. Criteria: GeneDx Variant Classification Process June 2021. Collection method: clinical testing. Allele origin: germline. Affected: yes.
Comment: Not observed in large population cohorts (Lek et al., 2016); In-frame deletion of 1 amino acid in a non-repeat region; In silico analysis supports a deleterious effect on splicing; Has not been previously published as pathogenic or benign to our knowledge